The following is an entry in ClinVar:

ClinVar aggregate classification (germline): Uncertain significance. Review status: criteria provided, multiple submitters, no conflicts (2 of 4 stars). 4 submissions from 3 submitters: Uncertain significance (4). Last evaluated 2023-02-08.

Conditions:
Inborn genetic diseases. Identifiers: MedGen C0950123, MeSH D030342.
Familial cutaneous telangiectasia and oropharyngeal predisposition cancer syndrome. Identifiers: Orphanet 313846, MedGen C3281203, MONDO:0013806, OMIM 614564.
Seckel syndrome 1 (SCKL1). Also called: MICROCEPHALIC PRIMORDIAL DWARFISM I. Identifiers: Orphanet 808, MedGen C4551474, MONDO:0008869, OMIM 210600.

Allele frequency attached by ClinVar (database versions not stated): gnomAD exomes 0.00001.
gnomAD v4.1: 3 of 1,613,988 alleles (0.00019%); highest among the groups gnomAD compares: Admixed American, 0.0033%; no homozygotes.

Submissions (4):

Genome-Nilou Lab
Classification: Uncertain significance for Seckel syndrome 1. Last evaluated: 2023-02-08. Review status: criteria provided, single submitter. Criteria: ACMG Guidelines, 2015. Collection method: clinical testing. Allele origin: germline.

Genome-Nilou Lab
Classification: Uncertain significance for Familial cutaneous telangiectasia and oropharyngeal predisposition cancer syndrome. Last evaluated: 2023-02-08. Review status: criteria provided, single submitter. Criteria: ACMG Guidelines, 2015. Collection method: clinical testing. Allele origin: germline.

Ambry Genetics
Classification: Uncertain significance for Inborn genetic diseases. Last evaluated: 2022-02-07. Review status: criteria provided, single submitter. Criteria: Ambry Variant Classification Scheme 2023. Collection method: clinical testing. Allele origin: germline.
Comment: The p.E1434A variant (also known as c.4301A>C), located in coding exon 24 of the ATR gene, results from an A to C substitution at nucleotide position 4301. The glutamic acid at codon 1434 is replaced by alanine, an amino acid with dissimilar properties. This amino acid position is conserved. In addition, this alteration is predicted to be tolerated by in silico analysis. Since supporting evidence is limited at this time, the clinical significance of this alteration remains unclear.

Labcorp Genetics (formerly Invitae), Labcorp
Classification: Uncertain significance. Last evaluated: 2021-06-09. Review status: criteria provided, single submitter. Criteria: Invitae Variant Classification Sherloc (09022015). Collection method: clinical testing. Allele origin: germline.
Comment: In summary, the available evidence is currently insufficient to determine the role of this variant in disease. Therefore, it has been classified as a Variant of Uncertain Significance. Algorithms developed to predict the effect of missense changes on protein structure and function (SIFT, PolyPhen-2, Align-GVGD) all suggest that this variant is likely to be tolerated, but these predictions have not been confirmed by published functional studies and their clinical significance is uncertain. This variant has not been reported in the literature in individuals with ATR-related conditions. This variant is not present in population databases (ExAC no frequency). This sequence change replaces glutamic acid with alanine at codon 1434 of the ATR protein (p.Glu1434Ala). The glutamic acid residue is weakly conserved and there is a moderate physicochemical difference between glutamic acid and alanine.

NM_001184.4(ATR):c.4301A>C (p.Glu1434Ala)

Gene: ATR (ATR checkpoint kinase; minus strand). Cytogenetic location: 3q23.
Variant type: single nucleotide variant.
Coding change: c.4301A>C on transcript NM_001184.4 (MANE Select); coding-DNA position 4301, A replaced by C.
Protein change: p.Glu1434Ala; replaces glutamic acid 1434 with alanine.
Molecular consequence: missense variant.
Genome position (GRCh38, 1-based): chr3:142,519,750, T>G on the plus strand (A>C on the coding strand, the complement: ATR is on the minus strand). VCF-style: chr3-142519750-T-G. GRCh37 (hg19) VCF-style: chr3-142238592-T-G.
Other names: c.4109A>C, p.Glu1370Ala (NM_001354579.2); short protein forms E1370A, E1434A.
Identifiers: ClinVar variation 1426582 (VCV001426582.9), dbSNP rs1326317682, ClinGen allele CA354800349.